The following is an entry in ClinVar:

NM_000154.2(GALK1):c.788T>C (p.Leu263Pro)

Gene: GALK1 (galactokinase 1; minus strand). Cytogenetic location: 17q25.1.
Variant type: single nucleotide variant.
Coding change: c.788T>C on transcript NM_000154.2 (MANE Select); coding-DNA position 788, T replaced by C.
Protein change: p.Leu263Pro; replaces leucine 263 with proline.
Molecular consequence: missense variant.
Genome position (GRCh38, 1-based): chr17:75,762,709, A>G on the plus strand (T>C on the coding strand, the complement: GALK1 is on the minus strand). VCF-style: chr17-75762709-A-G. GRCh37 (hg19) VCF-style: chr17-73758790-A-G.
Other names: c.788T>C, p.Leu263Pro (NM_001381985.1); short protein forms L263P.
Identifiers: ClinVar variation 3350367 (VCV003350367.2).

ClinVar aggregate classification (germline): Uncertain significance. Review status: criteria provided, single submitter (1 of 4 stars). 2 submissions from 2 submitters: Uncertain significance (1). 1 of the submissions does not count toward it. Last evaluated 2024-12-11.

Conditions:
GALK1-related disorder. Also called: GALK1-related condition.
Inborn genetic diseases. Identifiers: MedGen C0950123, MeSH D030342.

gnomAD v4.1: 11 of 1,613,718 alleles (0.00068%); highest among the groups gnomAD compares: Non-Finnish European, 0.00093%; no homozygotes.

Submissions (2):

Ambry Genetics
Classification: Uncertain significance for Inborn genetic diseases. Last evaluated: 2024-12-11. Review status: criteria provided, single submitter. Criteria: Ambry Variant Classification Scheme 2023. Collection method: clinical testing. Allele origin: germline.

PreventionGenetics, part of Exact Sciences
Classification: Uncertain significance for GALK1-related condition. Last evaluated: 2024-07-06. Review status: no assertion criteria provided. Collection method: clinical testing. Allele origin: germline. Not counted in ClinVar's aggregate classification.
Comment: The GALK1 c.788T>C variant is predicted to result in the amino acid substitution p.Leu263Pro. To our knowledge, this variant has not been reported in the literature. This variant is reported in 0.00088% of alleles in individuals of European (Non-Finnish) descent in gnomAD. At this time, the clinical significance of this variant is uncertain due to the absence of conclusive functional and genetic evidence.